The following is an entry in ClinVar:

ClinVar aggregate classification (germline): Uncertain significance (1 of 4 stars; one submission).

Submission:

Labcorp Genetics (formerly Invitae), Labcorp
Classification: Uncertain significance. Last evaluated: 2022-03-31. Review status: criteria provided, single submitter. Criteria: Invitae Variant Classification Sherloc (09022015). Collection method: clinical testing. Allele origin: germline.
Comment: Algorithms developed to predict the effect of missense changes on protein structure and function (SIFT, PolyPhen-2, Align-GVGD) all suggest that this variant is likely to be tolerated. In summary, the available evidence is currently insufficient to determine the role of this variant in disease. Therefore, it has been classified as a Variant of Uncertain Significance. This variant has not been reported in the literature in individuals affected with KMT2A-related conditions. This variant is not present in population databases (gnomAD no frequency). This sequence change replaces glutamic acid, which is acidic and polar, with glutamine, which is neutral and polar, at codon 1361 of the KMT2A protein (p.Glu1361Gln).

NM_001197104.2(KMT2A):c.4081G>C (p.Glu1361Gln)

Gene: KMT2A (lysine methyltransferase 2A; plus strand). Cytogenetic location: 11q23.3.
Variant type: single nucleotide variant.
Coding change: c.4081G>C on transcript NM_001197104.2 (MANE Select); coding-DNA position 4081, G replaced by C.
Protein change: p.Glu1361Gln; replaces glutamic acid 1361 with glutamine.
Molecular consequence: missense variant.
Genome position (GRCh38, 1-based): chr11:118,482,490, G>C. VCF-style: chr11-118482490-G-C. GRCh37 (hg19) VCF-style: chr11-118353205-G-C.
Other names: c.4180G>C, p.Glu1394Gln (NM_001412597.1); c.4081G>C, p.Glu1361Gln (NM_005933.4); short protein forms E1361Q, E1394Q.
Identifiers: ClinVar variation 2119895 (VCV002119895.4), dbSNP rs2496869548, ClinGen allele CA382829157.
Genomic context (GRCh38, chr11:118,482,490, plus strand): 5'-CAGAGCAAACAGAAAAAAGTGGCTCCCCGCCCAAGTATCCCTGTAAAACAAAAACCAAAA[G>C]AAAAGGTGAGGAGAGATTTGTTTCTCTGCCATTTCTCAGGGATGTATTCTATTTTGTAGG-3'
Protein context (NP_001184033.1, residues 1351-1371): PSIPVKQKPK[Glu1361Gln]KEKPPPVNKQ